The following is an entry in ClinVar:

NM_014014.5(SNRNP200):c.2421+2T>C

Gene: SNRNP200 (small nuclear ribonucleoprotein U5 subunit 200; minus strand). Cytogenetic location: 2q11.2.
Variant type: single nucleotide variant.
Coding change: c.2421+2T>C on transcript NM_014014.5 (MANE Select); the canonical splice donor site of the intron after coding-DNA position 2421, T replaced by C.
Molecular consequence: splice donor variant.
Genome position (GRCh38, 1-based): chr2:96,291,390, A>G on the plus strand (T>C on the coding strand, the complement: SNRNP200 is on the minus strand). VCF-style: chr2-96291390-A-G. GRCh37 (hg19) VCF-style: chr2-96957128-A-G.
Identifiers: ClinVar variation 1053634 (VCV001053634.7), dbSNP rs2104350238, ClinGen allele CA347677448.

ClinVar aggregate classification (germline): Uncertain significance (1 of 4 stars; one submission).

Submission:

Labcorp Genetics (formerly Invitae), Labcorp
Classification: Uncertain significance. Last evaluated: 2020-08-05. Review status: criteria provided, single submitter. Criteria: Invitae Variant Classification Sherloc (09022015). Collection method: clinical testing. Allele origin: germline.
Comment: This variant is not present in population databases (ExAC no frequency). This sequence change affects a donor splice site in intron 18 of the SNRNP200 gene. It is expected to disrupt RNA splicing and likely results in an absent or disrupted protein product. This variant has not been reported in the literature in individuals with SNRNP200-related conditions. The current clinical and genetic evidence is not sufficient to establish whether loss-of-function variants in SNRNP200 cause disease. Algorithms developed to predict the effect of sequence changes on RNA splicing suggest that this variant may disrupt the consensus splice site, but this prediction has not been confirmed by published transcriptional studies. In summary, the available evidence is currently insufficient to determine the role of this variant in disease. Therefore, it has been classified as a Variant of Uncertain Significance.